The following is an entry in ClinVar:

ClinVar aggregate classification (germline): Likely benign. Review status: criteria provided, multiple submitters, no conflicts (2 of 4 stars). 4 submissions from 4 submitters: Likely benign (4). Last evaluated 2025-07-29.

Conditions:
Long QT syndrome (LQTS). Identifiers: MedGen C0023976, MeSH D008133, MONDO:0002442. Disease mechanism: loss of function. Inheritance: Various modes of inheritance.
Cardiovascular phenotype. Identifiers: MedGen CN230736.
Cardiac arrhythmia. Also called: Cardiac rhythm disease; Arrhythmia. Identifiers: MedGen C0003811, MONDO:0007263, HP:0011675.

gnomAD v4.1: 1 of 1,614,158 alleles (0.000062%); no homozygotes.

Submissions (4):

Labcorp Genetics (formerly Invitae), Labcorp
Classification: Likely benign for Long QT syndrome. Last evaluated: 2025-07-29. Review status: criteria provided, single submitter. Criteria: Invitae Variant Classification Sherloc (09022015). Collection method: clinical testing. Allele origin: germline.

All of Us Research Program, National Institutes of Health
Classification: Likely benign for Long QT syndrome. Last evaluated: 2023-06-08. Review status: criteria provided, single submitter. Criteria: ACMG Guidelines, 2015. Collection method: clinical testing. Allele origin: germline. Inheritance: Autosomal dominant inheritance. Observed: 1 variant allele, 1 heterozygote.
Comment: This study involves interpretation of variants in research participants for the purpose of population health screening. Participant phenotype was not available at the time of variant classification. Additional details can be found in publication PMID: 35346344, PMCID: PMC8962531

Ambry Genetics
Classification: Likely benign for Cardiovascular phenotype. Last evaluated: 2022-10-21. Review status: criteria provided, single submitter. Criteria: Ambry Variant Classification Scheme 2023. Collection method: clinical testing. Allele origin: germline.

Color Diagnostics, LLC DBA Color Health
Classification: Likely benign for Cardiac arrhythmia. Last evaluated: 2021-01-25. Review status: criteria provided, single submitter. Criteria: ACMG Guidelines, 2015. Collection method: clinical testing. Allele origin: germline.

NM_000238.4(KCNH2):c.966C>G (p.Ser322=)

Gene: KCNH2 (potassium voltage-gated channel subfamily H member 2; minus strand). Cytogenetic location: 7q36.1.
Variant type: single nucleotide variant.
Coding change: c.966C>G on transcript NM_000238.4 (MANE Select); coding-DNA position 966, C replaced by G.
Protein change: p.Ser322=; no amino-acid change (serine 322 retained).
Molecular consequence: synonymous variant. On other transcripts: non-coding transcript variant (1).
Genome position (GRCh38, 1-based): chr7:150,957,453, G>C on the plus strand (C>G on the coding strand, the complement: KCNH2 is on the minus strand). VCF-style: chr7-150957453-G-C. GRCh37 (hg19) VCF-style: chr7-150654541-G-C.
Other names: c.678C>G, p.Ser226= (NM_001406753.1, NM_001406756.1); c.789C>G, p.Ser263= (NM_001406755.1); c.666C>G, p.Ser222= (NM_001406757.1); c.966C>G, p.Ser322= (NM_172056.3).
Identifiers: ClinVar variation 1171943 (VCV001171943.9), dbSNP rs200290864, ClinGen allele CA458646070.
Genomic context (GRCh38, chr7:150,957,453, plus strand): 5'-GTCCACAAAGTTGAGGGTGATTTGGGGAATCTTGCTAATGGTGCGGTAGCGCACGAGGTC[G>C]GAGTCCGAGGTGGAGTTGAGCAAGCCGCTGCGCAGTGGGTGCATGGCCCCTAGGTGGAGA-3'
Protein context (NP_000229.1, residues 312-332): RSGLLNSTSD[Ser322=]DLVRYRTISK